The following is an entry in ClinVar:

ClinVar aggregate classification (germline): Conflicting classifications of pathogenicity. Review status: criteria provided, conflicting classifications (1 of 4 stars). 6 submissions from 6 submitters: Uncertain significance (3); Benign (1); Likely benign (1). 1 of the submissions does not count toward it. Last evaluated 2025-05-19.

Conditions:
CHD7-related disorder. Also called: CHD7-related condition.
CHARGE syndrome (CHARGE). Also called: Hittner Hirsch Kreh syndrome; CHARGE ASSOCIATION--COLOBOMA, HEART ANOMALY, CHOANAL ATRESIA, RETARDATION, GENITAL AND EAR ANOMALIES; Coloboma, heart anomaly, choanal atresia, retardation, genital and ear anomalies; CHARGE association; Hall-Hittner syndrome. Identifiers: Orphanet 138, MedGen C0265354, MONDO:0008965.
Hypogonadotropic hypogonadism 5 with or without anosmia (KAL5). Also called: HYPOGONADOTROPIC HYPOGONADISM 5 WITH ANOSMIA; HYPOGONADOTROPHIC HYPOGONADISM 5 WITHOUT ANOSMIA; CHD7-Related GnRH Deficiency (Kallmann Syndrome 5). Identifiers: Orphanet 478, MedGen C3552553, MONDO:0012880, OMIM 612370. Disease mechanism: loss of function.

Allele frequency attached by ClinVar (database versions not stated): TOPMed 0.00005; gnomAD 0.00006.
gnomAD v4.1: 40 of 1,613,828 alleles (0.0025%); highest among the groups gnomAD compares: African/African-American, 0.016%; no homozygotes.

Submissions (6):

Labcorp Genetics (formerly Invitae), Labcorp
Classification: Benign for CHARGE syndrome. Last evaluated: 2025-05-19. Review status: criteria provided, single submitter. Criteria: Invitae Variant Classification Sherloc (09022015). Collection method: clinical testing. Allele origin: germline.

Fulgent Genetics
Classification: Uncertain significance for CHD7-related CHARGE syndrome; Hypogonadotropic hypogonadism 5 with or without anosmia. Last evaluated: 2024-02-15. Review status: criteria provided, single submitter. Criteria: ACMG Guidelines, 2015. Collection method: clinical testing. Allele origin: germline.

GeneDx
Classification: Uncertain significance. Last evaluated: 2022-09-22. Review status: criteria provided, single submitter. Criteria: GeneDx Variant Classification Process June 2021. Collection method: clinical testing. Allele origin: germline. Affected: yes.
Comment: Identified in a patient with CHARGE syndrome in published literature, but classified as a benign variant with no additional information provided (Janssen et al., 2012); In silico analysis supports that this missense variant does not alter protein structure/function; This variant is associated with the following publications: (PMID: 22461308)

Blueprint Genetics
Classification: Uncertain significance. Last evaluated: 2022-02-17. Review status: criteria provided, single submitter. Criteria: ACMG Guidelines, 2015. Collection method: clinical testing. Allele origin: germline.

CeGaT Center for Human Genetics Tuebingen
Classification: Likely benign. Last evaluated: 2018-06-01. Review status: criteria provided, single submitter. Criteria: CeGaT Center For Human Genetics Tuebingen Variant Classification Criteria Version 2. Collection method: clinical testing. Allele origin: germline. Affected: yes. Observed: 1 variant allele.

PreventionGenetics, part of Exact Sciences
Classification: Uncertain significance for CHD7-related condition. Last evaluated: 2024-06-05. Review status: no assertion criteria provided. Collection method: clinical testing. Allele origin: germline. Not counted in ClinVar's aggregate classification.
Comment: The CHD7 c.5015C>T variant is predicted to result in the amino acid substitution p.Ala1672Val. This variant has been reported as benign in a study of CHARGE syndrome without additional information (Janssen et al. 2012. PubMed ID: 22461308. Table S3). This variant is reported in 0.017% of alleles in individuals of African descent in gnomAD. Although we suspect that this variant may be benign, at this time, the clinical significance of this variant is uncertain due to the absence of conclusive functional and genetic evidence.

NM_017780.4(CHD7):c.5015C>T (p.Ala1672Val)

Gene: CHD7 (chromodomain helicase DNA binding protein 7; plus strand). Cytogenetic location: 8q12.2.
Variant type: single nucleotide variant.
Coding change: c.5015C>T on transcript NM_017780.4 (MANE Select); coding-DNA position 5015, C replaced by T.
Protein change: p.Ala1672Val; replaces alanine 1672 with valine.
Molecular consequence: missense variant. On other transcripts: intron variant (1).
Genome position (GRCh38, 1-based): chr8:60,845,028, C>T. VCF-style: chr8-60845028-C-T. GRCh37 (hg19) VCF-style: chr8-61757587-C-T.
Other names: c.5015C>T (NM_017780.3); c.1717-17201C>T (NM_001316690.1); short protein forms A1672V.
Identifiers: ClinVar variation 810291 (VCV000810291.50), dbSNP rs61737194, ClinGen allele CA4760238.